The following is an entry in ClinVar:

NM_019032.6(ADAMTSL4):c.1432G>A (p.Gly478Arg)

Genes: ADAMTSL4 (ADAMTS like 4; plus strand), ADAMTSL4-AS2 (ADAMTSL4 antisense RNA 2; minus strand). Cytogenetic location: 1q21.2.
Variant type: single nucleotide variant.
Coding change: c.1432G>A on transcript NM_019032.6 (MANE Select); coding-DNA position 1432, G replaced by A.
Protein change: p.Gly478Arg; replaces glycine 478 with arginine.
Molecular consequence: missense variant.
Genome position (GRCh38, 1-based): chr1:150,556,222, G>A. VCF-style: chr1-150556222-G-A. GRCh37 (hg19) VCF-style: chr1-150528698-G-A.
Other names: c.1501G>A, p.Gly501Arg (NM_001288607.2, NM_001288608.2); c.1432G>A, p.Gly478Arg (NM_001378596.1, NM_025008.5); c.1432G>A (NM_019032.4); short protein forms G478R, G501R.
Identifiers: ClinVar variation 1422140 (VCV001422140.4), dbSNP rs368336114, ClinGen allele CA1078273.

ClinVar aggregate classification (germline): Uncertain significance. Review status: criteria provided, multiple submitters, no conflicts (2 of 4 stars). 2 submissions from 2 submitters: Uncertain significance (2). Last evaluated 2024-04-08.

Conditions:
Inborn genetic diseases. Identifiers: MedGen C0950123, MeSH D030342.

Allele frequency attached by ClinVar (database versions not stated): ExAC 0.00001; gnomAD exomes 0.00002; TOPMed 0.00004; gnomAD 0.00005; ESP Exome Variant Server 0.00008.
gnomAD v4.1: 42 of 1,614,066 alleles (0.0026%); highest among the groups gnomAD compares: East Asian, 0.0045%; no homozygotes.

Submissions (2):

Ambry Genetics
Classification: Uncertain significance for Inborn genetic diseases. Last evaluated: 2024-04-08. Review status: criteria provided, single submitter. Criteria: Ambry Variant Classification Scheme 2023. Collection method: clinical testing. Allele origin: germline.

Labcorp Genetics (formerly Invitae), Labcorp
Classification: Uncertain significance. Last evaluated: 2022-07-14. Review status: criteria provided, single submitter. Criteria: Invitae Variant Classification Sherloc (09022015). Collection method: clinical testing. Allele origin: germline.
Comment: This sequence change replaces glycine, which is neutral and non-polar, with arginine, which is basic and polar, at codon 478 of the ADAMTSL4 protein (p.Gly478Arg). This variant is present in population databases (rs368336114, gnomAD 0.005%). This variant has not been reported in the literature in individuals affected with ADAMTSL4-related conditions. ClinVar contains an entry for this variant (Variation ID: 1422140). Algorithms developed to predict the effect of missense changes on protein structure and function (SIFT, PolyPhen-2, Align-GVGD) all suggest that this variant is likely to be disruptive. In summary, the available evidence is currently insufficient to determine the role of this variant in disease. Therefore, it has been classified as a Variant of Uncertain Significance.